The following is an entry in ClinVar:

NC_000006.11:g.(51924841_51927316)_(51927459_51929752)del

Gene: PKHD1 (PKHD1 ciliary IPT domain containing fibrocystin/polyductin; minus strand). Cytogenetic location: 6p12.2.
Variant type: Deletion.
Identifiers: ClinVar variation 2429305 (VCV002429305.4).

ClinVar aggregate classification (germline): Likely pathogenic (1 of 4 stars; one submission).

Conditions:
Autosomal recessive polycystic kidney disease (ARPKD). Also called: AR polycystic kidney disease. Identifiers: Orphanet 731, Orphanet 8378, MedGen C0085548, MeSH D017044, MONDO:0009889.

Submission:

Women's Health and Genetics/Laboratory Corporation of America, LabCorp
Classification: Likely pathogenic for Autosomal recessive polycystic kidney disease. Last evaluated: 2023-01-27. Review status: criteria provided, single submitter. Criteria: LabCorp Variant Classification Summary - May 2015. Collection method: clinical testing. Allele origin: germline.
Comment: Variant summary: The variant identified by MLPA or other technology involves the deletion of exon 14 in the PKHD1 gene. A presumed nomenclature of c.(976+1_977-1)_(1118+1_1119-1)del has been designated for the purposes of this classification. Although exact breakpoints of this deletion are not known, it is expected to result in a frameshift in the PKHD1 gene, a known mechanism of disease. The variant was absent in 21694 control chromosomes in the gnomAD database (structural variants data set). To our knowledge, no occurrence of c.(976+1_977-1)_(1118+1_1119-1)del in individuals affected with Polycystic Kidney And Hepatic Disease and no experimental evidence demonstrating its impact on protein function have been reported. No clinical diagnostic laboratories have submitted clinical-significance assessments for this variant to ClinVar after 2014. Based on the evidence outlined above, the variant was classified as likely pathogenic.